The following is an entry in ClinVar:

ClinVar aggregate classification (germline): Uncertain significance (1 of 4 stars; one submission).

Conditions:
Spinocerebellar ataxia 48. Identifiers: Orphanet 631103, MedGen C4748158, MONDO:0032526, OMIM 618093.

gnomAD v4.1: 9 of 1,582,150 alleles (0.00057%); highest among the groups gnomAD compares: South Asian, 0.0034%; no homozygotes.

Submission:

Clinical Genomics Laboratory, Washington University in St. Louis
Classification: Uncertain significance for Spinocerebellar ataxia 48. Last evaluated: 2023-11-17. Review status: criteria provided, single submitter. Criteria: ACMG Guidelines, 2015. Collection method: clinical testing. Allele origin: germline.
Comment: The STUB1 c.669+4A>T variant, to our knowledge, has not been reported in the medical literature. The highest population minor allele frequency in the population database genome aggregation database (v.2.1.1) is 0.011% in the South Asian population. Computational predictors indicate that the variant may alter splicing, evidence that correlates with impact to STUB1 function. Due to limited information, and based on ACMG/AMP guidelines for variant interpretation (Richards S et al., PMID: 25741868), the clinical significance of this variant is uncertain at this time.

NM_005861.4(STUB1):c.669+4A>T

Genes: STUB1 (STIP1 homology and U-box containing protein 1; plus strand), JMJD8 (jumonji domain containing 8; minus strand). Cytogenetic location: 16p13.3.
Variant type: single nucleotide variant.
Coding change: c.669+4A>T on transcript NM_005861.4 (MANE Select); 4 bases into the intron after coding-DNA position 669, A replaced by T.
Molecular consequence: intron variant. On other transcripts: 3 prime UTR variant (5), non-coding transcript variant (3).
Genome position (GRCh38, 1-based): chr16:682,080, A>T. VCF-style: chr16-682080-A-T. GRCh37 (hg19) VCF-style: chr16-732080-A-T.
Other names: c.*714T>A (NM_001005920.4, NM_001323919.3, NM_001323920.3); c.*748T>A (NM_001323918.3, NM_001323922.3); c.453+4A>T (NM_001293197.2).
Identifiers: ClinVar variation 3602576 (VCV003602576.1).